The following is an entry in ClinVar:

NM_004168.4(SDHA):c.698G>A (p.Gly233Asp)

Gene: SDHA (succinate dehydrogenase complex flavoprotein subunit A; plus strand). Cytogenetic location: 5p15.33.
Variant type: single nucleotide variant.
Coding change: c.698G>A on transcript NM_004168.4 (MANE Select); coding-DNA position 698, G replaced by A.
Protein change: p.Gly233Asp; replaces glycine 233 with aspartic acid.
Molecular consequence: missense variant.
Genome position (GRCh38, 1-based): chr5:228,261, G>A. VCF-style: chr5-228261-G-A. GRCh37 (hg19) VCF-style: chr5-228376-G-A.
Other names: c.554G>A, p.Gly185Asp (NM_001294332.2); c.698G>A, p.Gly233Asp (NM_001330758.2); short protein forms G185D, G233D.
Identifiers: ClinVar variation 1496137 (VCV001496137.8), dbSNP rs878854636, ClinGen allele CA359010961.

ClinVar aggregate classification (germline): Uncertain significance (1 of 4 stars; one submission).

Conditions:
Mitochondrial complex II deficiency, nuclear type 1. Also called: SUCCINATE CoQ REDUCTASE DEFICIENCY. Identifiers: Orphanet 3208, MedGen C5700310, MONDO:0100294, OMIM 252011.
Pheochromocytoma/paraganglioma syndrome 5. Also called: Paragangliomas 5; SDHA-Related Hereditary Paraganglioma-Pheochromocytoma Syndrome. Identifiers: Orphanet 29072, MedGen C3279992, MONDO:0013602, OMIM 614165.

Submission:

Labcorp Genetics (formerly Invitae), Labcorp
Classification: Uncertain significance for Pheochromocytoma/paraganglioma syndrome 5; Mitochondrial complex II deficiency, nuclear type 1. Last evaluated: 2021-04-15. Review status: criteria provided, single submitter. Criteria: Invitae Variant Classification Sherloc (09022015). Collection method: clinical testing. Allele origin: germline.
Comment: In summary, the available evidence is currently insufficient to determine the role of this variant in disease. Therefore, it has been classified as a Variant of Uncertain Significance. Advanced modeling of protein sequence and biophysical properties (such as structural, functional, and spatial information, amino acid conservation, physicochemical variation, residue mobility, and thermodynamic stability) performed at Invitae indicates that this missense variant is expected to disrupt SDHA protein function. This variant has not been reported in the literature in individuals with SDHA-related conditions. This variant is not present in population databases (ExAC no frequency). This sequence change replaces glycine with aspartic acid at codon 233 of the SDHA protein (p.Gly233Asp). The glycine residue is highly conserved and there is a moderate physicochemical difference between glycine and aspartic acid.